The following is an entry in ClinVar:

ClinVar aggregate classification (germline): Uncertain significance. Review status: criteria provided, multiple submitters, no conflicts (2 of 4 stars). 2 submissions from 2 submitters: Uncertain significance (2). Last evaluated 2025-09-13.

Conditions:
Heterotopia, periventricular, X-linked dominant (PVNH1). Also called: PERIVENTRICULAR NODULAR HETEROTOPIA 1; PERIVENTRICULAR NODULAR HETEROTOPIA 4; HETEROTOPIA, PERIVENTRICULAR, 1; X-linked periventricular heterotopia. Identifiers: Orphanet 2149, Orphanet 82004, MedGen C1848213, MONDO:0010233, OMIM 300049.
Melnick-Needles syndrome (MNS). Also called: MELNICK-NEEDLES OSTEODYSPLASTY; OSTEODYSPLASTY OF MELNICK AND NEEDLES; Melnick-Needles Syndrome (FLNA-MNS). Identifiers: Orphanet 2484, MedGen C0025237, MONDO:0010650, OMIM 309350.
Oto-palato-digital syndrome, type II (OPD2). Also called: FACIOPALATOOSSEOUS SYNDROME; OPD II SYNDROME; Otopalatodigital Syndrome Type 2 (FLNA-OPD2); Otopalatodigital Syndrome, Type II. Identifiers: Orphanet 669, Orphanet 90652, MedGen C1844696, MONDO:0010571, OMIM 304120.
Frontometaphyseal dysplasia (FMD1). Identifiers: Orphanet 1826, MedGen C0265293, MONDO:0015942.

Allele frequency attached by ClinVar (database versions not stated): gnomAD exomes below 0.00001; TOPMed below 0.00001.
gnomAD v4.1: 1 of 1,211,896 alleles (0.000083%); highest among the groups gnomAD compares: African/African-American, 0.0017%; no homozygotes.

Submissions (2):

Labcorp Genetics (formerly Invitae), Labcorp
Classification: Uncertain significance for Oto-palato-digital syndrome, type II; Heterotopia, periventricular, X-linked dominant; Frontometaphyseal dysplasia; Melnick-Needles syndrome. Last evaluated: 2025-09-13. Review status: criteria provided, single submitter. Criteria: Invitae Variant Classification Sherloc (09022015). Collection method: clinical testing. Allele origin: germline.
Comment: This sequence change replaces glutamic acid, which is acidic and polar, with lysine, which is basic and polar, at codon 1987 of the FLNA protein (p.Glu1987Lys). This variant is not present in population databases (gnomAD no frequency). This variant has not been reported in the literature in individuals affected with FLNA-related conditions. ClinVar contains an entry for this variant (Variation ID: 2500521). Invitae Evidence Modeling of protein sequence and biophysical properties (such as structural, functional, and spatial information, amino acid conservation, physicochemical variation, residue mobility, and thermodynamic stability) indicates that this missense variant is not expected to disrupt FLNA protein function with a negative predictive value of 95%. In summary, the available evidence is currently insufficient to determine the role of this variant in disease. Therefore, it has been classified as a Variant of Uncertain Significance.

GeneDx
Classification: Uncertain significance. Last evaluated: 2022-10-27. Review status: criteria provided, single submitter. Criteria: GeneDx Variant Classification Process June 2021. Collection method: clinical testing. Allele origin: germline. Affected: yes.
Comment: Not observed at significant frequency in large population cohorts (gnomAD); In silico analysis supports that this missense variant has a deleterious effect on protein structure/function; Has not been previously published as pathogenic or benign to our knowledge

NM_001110556.2(FLNA):c.5983G>A (p.Glu1995Lys)

Gene: FLNA (filamin A; minus strand). Cytogenetic location: Xq28.
Variant type: single nucleotide variant.
Coding change: c.5983G>A on transcript NM_001110556.2 (MANE Select); coding-DNA position 5983, G replaced by A.
Protein change: p.Glu1995Lys; replaces glutamic acid 1995 with lysine.
Molecular consequence: missense variant.
Genome position (GRCh38, 1-based): chrX:154,353,335, C>T on the plus strand (G>A on the coding strand, the complement: FLNA is on the minus strand). VCF-style: chrX-154353335-C-T. GRCh37 (hg19) VCF-style: chrX-153581703-C-T.
Other names: c.5959G>A, p.Glu1987Lys (NM_001456.4); short protein forms E1987K, E1995K.
Identifiers: ClinVar variation 2500521 (VCV002500521.2), dbSNP rs2067636600, ClinGen allele CA415197284.